The following is an entry in ClinVar:

ClinVar aggregate classification (germline): Pathogenic (1 of 4 stars; one submission).

Conditions:
Microcephaly, normal intelligence and immunodeficiency (NBS). Also called: IMMUNODEFICIENCY, MICROCEPHALY, AND CHROMOSOMAL INSTABILITY; SEEMANOVA SYNDROME II; Nijmegen breakage syndrome; Microcephaly with normal intelligence immunodeficiency and lymphoreticular malignancies; Nonsyndromal microcephaly autosomal recessive with normal intelligence; Seemanova syndrome 2. Identifiers: Orphanet 647, MedGen C0398791, MONDO:0009623, OMIM 251260.

Submission:

Myriad Genetics, Inc.
Classification: Pathogenic for Microcephaly, normal intelligence and immunodeficiency. Last evaluated: 2025-07-31. Review status: criteria provided, single submitter. Criteria: Myriad Autosomal Dominant, Autosomal Recessive and X-Linked Classification Criteria (2023). Collection method: clinical testing. Allele origin: unknown.
Comment: NM_002485.4(NBN):c.55_56dupTT(L19Ffs*2) is expected to be pathogenic in the context of Nijmegen breakage syndrome. This variant is predicted to lead to an abnormal or absent protein product due to the creation of a premature termination codon in NBN, a gene where loss-of-function variants are known to be pathogenic. Please note: this variant was assessed in the context of healthy population screening.

NM_002485.5(NBN):c.55_56dup (p.Leu19fs)

Gene: NBN (nibrin; minus strand). Cytogenetic location: 8q21.3.
Variant type: Duplication.
Coding change: c.55_56dup on transcript NM_002485.5 (MANE Select); coding-DNA positions 55 to 56, 2 bases duplicated (TT; older notation c.55_56dupTT).
Protein change: p.Leu19fs; shifts the reading frame from leucine 19.
Molecular consequence: frameshift variant. On other transcripts: 5 prime UTR variant (3).
Genome position (GRCh38, 1-based): chr8:89,982,837-89,982,838, AA duplicated on the plus strand (TT on the coding strand, the reverse complement: NBN is on the minus strand); duplicating any 2 consecutive bases within chr8:89,982,837-89,982,840 gives the same sequence; the c. name uses the placement nearest the transcript's 3' end. VCF-style (leftmost placement, unchanged base first): chr8-89982836-C-CAA. GRCh37 (hg19) VCF-style: chr8-90995064-C-CAA.
Other names: c.-242_-241dup (NM_001024688.3, NM_001440380.1); c.-192_-191dup (NM_001440379.1); short protein forms L19fs.
Identifiers: ClinVar variation 5014801 (VCV005014801.1).